The following is an entry in ClinVar:

NM_002617.4(PEX10):c.6C>G (p.Ala2=)

Gene: PEX10 (peroxisomal biogenesis factor 10; minus strand). Cytogenetic location: 1p36.32.
Variant type: single nucleotide variant.
Coding change: c.6C>G on transcript NM_002617.4 (MANE Select); coding-DNA position 6, C replaced by G.
Protein change: p.Ala2=; no amino-acid change (alanine 2 retained).
Molecular consequence: synonymous variant. On other transcripts: intron variant (2).
Genome position (GRCh38, 1-based): chr1:2,412,497, G>C on the plus strand (C>G on the coding strand, the complement: PEX10 is on the minus strand). VCF-style: chr1-2412497-G-C. GRCh37 (hg19) VCF-style: chr1-2343936-G-C.
Other names: c.6C>G, p.Ala2= (NM_001374425.1, NM_153818.2); c.-321+1100C>G (NM_001374427.1, NM_001374426.1).
Identifiers: ClinVar variation 284321 (VCV000284321.49), dbSNP rs112471479, ClinGen allele CA538318.

ClinVar aggregate classification (germline): Benign/Likely benign. Review status: criteria provided, multiple submitters, no conflicts (2 of 4 stars). 9 submissions from 9 submitters: Benign (2); Likely benign (5). 2 of the submissions do not count toward it. Last evaluated 2026-09-01.

Conditions:
Zellweger spectrum disorders (ZS). Also called: Zellweger Spectrum Disorder (ZSD); Zellweger Spectrum Disorder; Zellweger Spectrum; Zellweger syndrome. Identifiers: Orphanet 912, MedGen C0043459, MONDO:0019609.
Peroxisome biogenesis disorder 6A (Zellweger). Also called: Peroxisome biogenesis disorder 6A. Identifiers: Orphanet 912, MedGen C3553947, MONDO:0013936, OMIM 614870.
Peroxisome biogenesis disorder, complementation group 7 (CG7). Also called: Peroxisome biogenesis disorder, complementation group B. Identifiers: MedGen C1864399.

Allele frequency attached by ClinVar (database versions not stated): 1000 Genomes Project 30x 0.00437; 1000 Genomes Project 0.00439; gnomAD 0.00523 and 0.00535; TOPMed 0.00554; gnomAD exomes 0.00558 and 0.00633; ExAC 0.01718.

Submissions (9):

CeGaT Center for Human Genetics Tuebingen
Classification: Likely benign. Last evaluated: 2026-09-01. Review status: criteria provided, single submitter. Criteria: CeGaT Center For Human Genetics Tuebingen Variant Classification Criteria Version 2. Collection method: clinical testing. Allele origin: germline. Affected: yes. Observed: 20 variant alleles.
Comment: PEX10: BP4, BP7, BS2

Labcorp Genetics (formerly Invitae), Labcorp
Classification: Benign for Peroxisome biogenesis disorder, complementation group 7. Last evaluated: 2026-02-04. Review status: criteria provided, single submitter. Criteria: Invitae Variant Classification Sherloc (09022015). Collection method: clinical testing. Allele origin: germline.

Blueprint Genetics
Classification: Likely benign. Last evaluated: 2024-11-25. Review status: criteria provided, single submitter. Criteria: ACMG Guidelines, 2015. Collection method: clinical testing. Allele origin: germline.

Genome-Nilou Lab
Classification: Likely benign for Peroxisome biogenesis disorder 6A (Zellweger). Last evaluated: 2021-05-18. Review status: criteria provided, single submitter. Criteria: ACMG Guidelines, 2015. Collection method: clinical testing. Allele origin: germline. Affected: no.

Illumina Laboratory Services, Illumina
Classification: Likely benign for Peroxisome biogenesis disorder 6A (Zellweger). Last evaluated: 2018-01-13. Review status: criteria provided, single submitter. Criteria: ICSL Variant Classification Criteria 13 December 2019. Collection method: clinical testing. Allele origin: germline.
Comment: This variant was observed in the ICSL laboratory as part of a predisposition screen in an ostensibly healthy population. It had not been previously curated by ICSL or reported in the Human Gene Mutation Database (HGMD: prior to June 1st, 2018), and was therefore a candidate for classification through an automated scoring system. Utilizing variant allele frequency, disease prevalence and penetrance estimates, and inheritance mode, an automated score was calculated to assess if this variant is too frequent to cause the disease. Based on the score and internal cut-off values, a variant classified as likely benign is not then subjected to further curation. The score for this variant resulted in a classification of likely benign for this disease.

Eurofins Ntd Llc (ga)
Classification: Benign. Last evaluated: 2015-10-30. Review status: criteria provided, single submitter. Criteria: EGL Classification Definitions 2015. Collection method: clinical testing. Allele origin: germline. Observed: 2 variant alleles, 2 heterozygotes.

Breakthrough Genomics
Classification: Likely benign. Review status: criteria provided, single submitter. Criteria: ACMG Guidelines, 2015. Collection method: not provided. Allele origin: germline. Inheritance: Autosomal recessive inheritance. Affected: yes.

Natera, Inc.
Classification: Benign for Zellweger syndrome. Last evaluated: 2019-11-22. Review status: no assertion criteria provided. Collection method: clinical testing. Allele origin: germline. Not counted in ClinVar's aggregate classification.

Mayo Clinic Laboratories, Mayo Clinic
Classification: Likely benign. Last evaluated: 2015-12-16. Review status: no assertion criteria provided. Collection method: clinical testing. Allele origin: unknown. Not counted in ClinVar's aggregate classification.